The following is an entry in ClinVar:

NM_004360.5(CDH1):c.740A>G (p.Glu247Gly)

Gene: CDH1 (cadherin 1; plus strand). Cytogenetic location: 16q22.1.
Variant type: single nucleotide variant.
Coding change: c.740A>G on transcript NM_004360.5 (MANE Select); coding-DNA position 740, A replaced by G.
Protein change: p.Glu247Gly; replaces glutamic acid 247 with glycine.
Molecular consequence: missense variant. On other transcripts: 5 prime UTR variant (2).
Genome position (GRCh38, 1-based): chr16:68,810,249, A>G. VCF-style: chr16-68810249-A-G. GRCh37 (hg19) VCF-style: chr16-68844152-A-G.
Other names: c.740A>G, p.Glu247Gly (NM_001317184.2); c.-876A>G (NM_001317185.2); c.-1080A>G (NM_001317186.2); short protein forms E247G.
Identifiers: ClinVar variation 628845 (VCV000628845.5), dbSNP rs1567505668, ClinGen allele CA396458540.

ClinVar aggregate classification (germline): Uncertain significance (1 of 4 stars; one submission).

Conditions:
Hereditary cancer-predisposing syndrome. Also called: Neoplastic Syndromes, Hereditary; Tumor predisposition; Hereditary neoplastic syndrome; Hereditary Cancer Syndrome. Identifiers: Orphanet 140162, MedGen C0027672, MeSH D009386, MONDO:0015356.

Submission:

Color Diagnostics, LLC DBA Color Health
Classification: Uncertain significance for Hereditary cancer-predisposing syndrome. Last evaluated: 2023-12-05. Review status: criteria provided, single submitter. Criteria: ACMG Guidelines, 2015. Collection method: clinical testing. Allele origin: germline.
Comment: This missense variant replaces glutamic acid with glycine at codon 247 of the CDH1 protein. To our knowledge, functional studies have not been reported for this variant. This variant has not been reported in individuals affected with CDH1-related disorders in the literature. This variant has not been identified in the general population by the Genome Aggregation Database (gnomAD). The available evidence is insufficient to determine the role of this variant in disease conclusively. Therefore, this variant is classified as a Variant of Uncertain Significance.